The following is an entry in ClinVar:

NM_000257.4(MYH7):c.2305C>T (p.Leu769=)

Genes: MYH7 (myosin heavy chain 7; minus strand), LOC126861898 (BRD4-independent group 4 enhancer GRCh37_chr14:23893609-23894808; plus strand). Cytogenetic location: 14q11.2.
Variant type: single nucleotide variant.
Coding change: c.2305C>T on transcript NM_000257.4 (MANE Select); coding-DNA position 2305, C replaced by T.
Protein change: p.Leu769=; no amino-acid change (leucine 769 retained).
Molecular consequence: synonymous variant.
Genome position (GRCh38, 1-based): chr14:23,425,400, G>A on the plus strand (C>T on the coding strand, the complement: MYH7 is on the minus strand). VCF-style: chr14-23425400-G-A. GRCh37 (hg19) VCF-style: chr14-23894609-G-A.
Identifiers: ClinVar variation 700933 (VCV000700933.19), dbSNP rs45606737, ClinGen allele CA032220.

ClinVar aggregate classification (germline): Benign/Likely benign. Review status: criteria provided, multiple submitters, no conflicts (2 of 4 stars). 5 submissions from 5 submitters: Benign (1); Likely benign (4). Last evaluated 2026-08-04.

Conditions:
MYH7-related disorder. Also called: MYH7-related disorders; MYH7-related condition; MYH7-related disease.
Cardiovascular phenotype. Identifiers: MedGen CN230736.
Cardiomyopathy (CMYO). Also called: Cardiomyopathies. Identifiers: Orphanet 167848, MedGen C0878544, MONDO:0004994, HP:0001638. Inheritance: Various modes of inheritance.
Hypertrophic cardiomyopathy. Also called: HYPERTROPHIC MYOCARDIOPATHY. Identifiers: Orphanet 217569, MedGen C0007194, MeSH D002312, MONDO:0005045, HP:0001639.

Allele frequency attached by ClinVar (database versions not stated): TOPMed 0.00009; gnomAD 0.00003; gnomAD exomes 0.00003 and 0.00006; ExAC 0.00007.
gnomAD v4.1: 20 of 1,614,040 alleles (0.0012%); highest among the groups gnomAD compares: Admixed American, 0.03%; no homozygotes.

Submissions (5):

PreventionGenetics, part of Exact Sciences
Classification: Likely benign for MYH7-related condition. Last evaluated: 2026-08-04. Review status: criteria provided, single submitter. Criteria: ACMG Guidelines, 2015. Collection method: clinical testing. Allele origin: germline.
Comment: This variant is classified as likely benign based on ACMG/AMP sequence variant interpretation guidelines (Richards et al. 2015 PMID: 25741868, with internal and published modifications).

Labcorp Genetics (formerly Invitae), Labcorp
Classification: Likely benign for Hypertrophic cardiomyopathy. Last evaluated: 2025-11-08. Review status: criteria provided, single submitter. Criteria: Invitae Variant Classification Sherloc (09022015). Collection method: clinical testing. Allele origin: germline.

Color Diagnostics, LLC DBA Color Health
Classification: Benign for Cardiomyopathy. Last evaluated: 2021-09-15. Review status: criteria provided, single submitter. Criteria: ACMG Guidelines, 2015. Collection method: clinical testing. Allele origin: germline.

GeneDx
Classification: Likely benign. Last evaluated: 2019-04-19. Review status: criteria provided, single submitter. Criteria: GeneDx Variant Classification Process June 2021. Collection method: clinical testing. Allele origin: germline. Affected: yes.

Ambry Genetics
Classification: Likely benign for Cardiovascular phenotype. Last evaluated: 2018-10-23. Review status: criteria provided, single submitter. Criteria: Ambry Variant Classification Scheme 2023. Collection method: clinical testing. Allele origin: germline.